The following is an entry in ClinVar:

ClinVar aggregate classification (germline): Likely benign (1 of 4 stars; one submission).

gnomAD v4.1: 139 of 1,613,964 alleles (0.0086%); highest among the groups gnomAD compares: Middle Eastern, 0.099%; no homozygotes.

Submission:

CeGaT Center for Human Genetics Tuebingen
Classification: Likely benign. Last evaluated: 2026-02-01. Review status: criteria provided, single submitter. Criteria: CeGaT Center For Human Genetics Tuebingen Variant Classification Criteria Version 2. Collection method: clinical testing. Allele origin: germline. Affected: yes. Observed: 1 variant allele.
Comment: GALNT7: BP4, BP7

NM_017423.3(GALNT7):c.297T>A (p.Ala99=)

Gene: GALNT7 (polypeptide N-acetylgalactosaminyltransferase 7; plus strand). Cytogenetic location: 4q34.1.
Variant type: single nucleotide variant.
Coding change: c.297T>A on transcript NM_017423.3 (MANE Select); coding-DNA position 297, T replaced by A.
Protein change: p.Ala99=; no amino-acid change (alanine 99 retained).
Molecular consequence: synonymous variant.
Genome position (GRCh38, 1-based): chr4:173,248,150, T>A. VCF-style: chr4-173248150-T-A. GRCh37 (hg19) VCF-style: chr4-174169301-T-A.
Other names: c.297T>A, p.Ala99= (NM_001375599.1, NM_001375600.1, NM_001375601.1).
Identifiers: ClinVar variation 4821315 (VCV004821315.4).